The following is an entry in ClinVar:

NM_001267550.2(TTN):c.29313C>T (p.Cys9771=)

Gene: TTN (titin; minus strand). Cytogenetic location: 2q31.2.
Variant type: single nucleotide variant.
Coding change: c.29313C>T on transcript NM_001267550.2 (MANE Select); coding-DNA position 29313, C replaced by T.
Protein change: p.Cys9771=; no amino-acid change (cysteine 9771 retained).
Molecular consequence: synonymous variant. On other transcripts: intron variant (3).
Genome position (GRCh38, 1-based): chr2:178,706,561, G>A on the plus strand (C>T on the coding strand, the complement: TTN is on the minus strand). VCF-style: chr2-178706561-G-A. GRCh37 (hg19) VCF-style: chr2-179571288-G-A.
Other names: c.28362C>T, p.Cys9454= (NM_001256850.1); c.25581C>T, p.Cys8527= (NM_133378.4); c.13282+31521C>T (NM_003319.4); c.13858+31521C>T (NM_133437.4); c.13657+31521C>T (NM_133432.3).
Identifiers: ClinVar variation 513775 (VCV000513775.50), dbSNP rs375017037, ClinGen allele CA1999410.

ClinVar aggregate classification (germline): Conflicting classifications of pathogenicity. Review status: criteria provided, conflicting classifications (1 of 4 stars). 6 submissions from 6 submitters: Uncertain significance (1); Likely benign (5). Last evaluated 2025-12-27.

Conditions:
Dilated cardiomyopathy 1G (CMD1G). Identifiers: Orphanet 154, MedGen C1858763, MONDO:0011400, OMIM 604145.
Autosomal recessive limb-girdle muscular dystrophy type 2J (LGMDR10). Also called: MUSCULAR DYSTROPHY, LIMB-GIRDLE, AUTOSOMAL RECESSIVE 10; Limb-girdle muscular dystrophy, type 2J. Identifiers: Orphanet 140922, MedGen C1837342, MONDO:0012127, OMIM 608807.
TTN-related disorder. Also called: TTN-related condition; TTN-related disease; TTN-related disorders.

Allele frequency attached by ClinVar (database versions not stated): gnomAD exomes 0.00004; ExAC 0.00005; ESP Exome Variant Server 0.00008; gnomAD 0.00011 and 0.00012; TOPMed 0.00015.
gnomAD v4.1: 46 of 1,613,758 alleles (0.0029%); highest among the groups gnomAD compares: African/African-American, 0.041%; no homozygotes.

Submissions (6):

Labcorp Genetics (formerly Invitae), Labcorp
Classification: Likely benign for Dilated cardiomyopathy 1G; Autosomal recessive limb-girdle muscular dystrophy type 2J. Last evaluated: 2025-12-27. Review status: criteria provided, single submitter. Criteria: Invitae Variant Classification Sherloc (09022015). Collection method: clinical testing. Allele origin: germline.

PreventionGenetics, part of Exact Sciences
Classification: Likely benign for TTN-related condition. Last evaluated: 2024-12-04. Review status: criteria provided, single submitter. Criteria: ACMG Guidelines, 2015. Collection method: clinical testing. Allele origin: germline.
Comment: This variant is classified as likely benign based on ACMG/AMP sequence variant interpretation guidelines (Richards et al. 2015 PMID: 25741868, with internal and published modifications).

Blueprint Genetics
Classification: Uncertain significance. Last evaluated: 2023-08-09. Review status: criteria provided, single submitter. Criteria: ACMG Guidelines, 2015. Collection method: clinical testing. Allele origin: germline.

CeGaT Center for Human Genetics Tuebingen
Classification: Likely benign. Last evaluated: 2022-10-01. Review status: criteria provided, single submitter. Criteria: CeGaT Center For Human Genetics Tuebingen Variant Classification Criteria Version 2. Collection method: clinical testing. Allele origin: germline. Affected: yes. Observed: 1 variant allele.
Comment: TTN: BP4, BP7

Women's Health and Genetics/Laboratory Corporation of America, LabCorp
Classification: Likely benign. Last evaluated: 2020-10-01. Review status: criteria provided, single submitter. Criteria: LabCorp Variant Classification Summary - May 2015. Collection method: clinical testing. Allele origin: germline.

GeneDx
Classification: Likely benign. Last evaluated: 2020-01-17. Review status: criteria provided, single submitter. Criteria: GeneDx Variant Classification Process June 2021. Collection method: clinical testing. Allele origin: germline. Affected: yes.